The following is an entry in ClinVar:

ClinVar aggregate classification (germline): Conflicting classifications of pathogenicity. Review status: criteria provided, conflicting classifications (1 of 4 stars). 4 submissions from 4 submitters: Uncertain significance (3); Likely benign (1). Last evaluated 2026-02-02.

Conditions:
Cardiovascular phenotype. Identifiers: MedGen CN230736.

Allele frequency attached by ClinVar (database versions not stated): gnomAD exomes 0.00006 and 0.00001; ExAC 0.00009; gnomAD 0.00015; TOPMed 0.00019; 1000 Genomes Project 0.00020; 1000 Genomes Project 30x 0.00062.
gnomAD v4.1: 41 of 1,576,072 alleles (0.0026%); highest among the groups gnomAD compares: African/African-American, 0.044%; no homozygotes.

Submissions (4):

Labcorp Genetics (formerly Invitae), Labcorp
Classification: Uncertain significance. Last evaluated: 2026-02-02. Review status: criteria provided, single submitter. Criteria: Invitae Variant Classification Sherloc (09022015). Collection method: clinical testing. Allele origin: germline.
Comment: This sequence change replaces glycine, which is neutral and non-polar, with glutamic acid, which is acidic and polar, at codon 1146 of the ALPK3 protein (p.Gly1146Glu). This variant is present in population databases (rs558514709, gnomAD 0.05%). This variant has not been reported in the literature in individuals affected with ALPK3-related conditions. ClinVar contains an entry for this variant (Variation ID: 1218604). Invitae Evidence Modeling of protein sequence and biophysical properties (such as structural, functional, and spatial information, amino acid conservation, physicochemical variation, residue mobility, and thermodynamic stability) indicates that this missense variant is not expected to disrupt ALPK3 protein function with a negative predictive value of 80%. In summary, the available evidence is currently insufficient to determine the role of this variant in disease. Therefore, it has been classified as a Variant of Uncertain Significance.

GeneDx
Classification: Uncertain significance. Last evaluated: 2026-01-06. Review status: criteria provided, single submitter. Criteria: GeneDx Variant Classification Process June 2021. Collection method: clinical testing. Allele origin: germline. Affected: yes.
Comment: In silico analysis suggests that this missense variant does not alter protein structure/function; Has not been previously published as pathogenic or benign to our knowledge

Ambry Genetics
Classification: Likely benign for Cardiovascular phenotype. Last evaluated: 2025-04-09. Review status: criteria provided, single submitter. Criteria: Ambry Variant Classification Scheme 2023. Collection method: clinical testing. Allele origin: germline.

CeGaT Center for Human Genetics Tuebingen
Classification: Uncertain significance. Last evaluated: 2024-01-01. Review status: criteria provided, single submitter. Criteria: CeGaT Center For Human Genetics Tuebingen Variant Classification Criteria Version 2. Collection method: clinical testing. Allele origin: germline. Affected: yes. Observed: 1 variant allele.
Comment: ALPK3: PM2, BP4

NM_020778.5(ALPK3):c.2831G>A (p.Gly944Glu)

Gene: ALPK3 (alpha kinase 3; plus strand). Cytogenetic location: 15q25.3.
Variant type: single nucleotide variant.
Coding change: c.2831G>A on transcript NM_020778.5 (MANE Select); coding-DNA position 2831, G replaced by A.
Protein change: p.Gly944Glu; replaces glycine 944 with glutamic acid.
Molecular consequence: missense variant.
Genome position (GRCh38, 1-based): chr15:84,857,569, G>A. VCF-style: chr15-84857569-G-A. GRCh37 (hg19) VCF-style: chr15-85400800-G-A.
Other names: short protein forms G944E.
Identifiers: ClinVar variation 1218604 (VCV001218604.35), dbSNP rs558514709, ClinGen allele CA7709503.